The following is an entry in ClinVar:

ClinVar aggregate classification (germline): Pathogenic (1 of 4 stars; one submission).

Conditions:
Inborn genetic diseases. Identifiers: MedGen C0950123, MeSH D030342.

Submission:

Ambry Genetics
Classification: Pathogenic for Inborn genetic diseases. Last evaluated: 2025-06-24. Review status: criteria provided, single submitter. Criteria: Ambry Variant Classification Scheme 2023. Collection method: clinical testing. Allele origin: germline.
Comment: The c.314delG pathogenic mutation, located in coding exon 3 of the ETV6 gene, results from a deletion of one nucleotide at nucleotide position 314, causing a translational frameshift with a predicted alternate stop codon (p.R105Hfs*17). This variant is considered to be rare based on population cohorts in the Genome Aggregation Database (gnomAD). This alteration is expected to result in loss of function by premature protein truncation or nonsense-mediated mRNA decay. As such, this alteration is interpreted as a disease-causing mutation.

NM_001987.5(ETV6):c.314del (p.Arg105fs)

Genes: ETV6 (ETS variant transcription factor 6; plus strand), LOC126861451 (BRD4-independent group 4 enhancer GRCh37_chr12:11991350-11992549; plus strand). Cytogenetic location: 12p13.2.
Variant type: Deletion.
Coding change: c.314del on transcript NM_001987.5 (MANE Select); coding-DNA position 314, one base deleted (G; older notation c.314delG).
Protein change: p.Arg105fs; shifts the reading frame from arginine 105.
Molecular consequence: frameshift variant.
Genome position (GRCh38, 1-based): chr12:11,839,290, G deleted. VCF-style (leftmost placement, unchanged base first): chr12-11839289-CG-C. GRCh37 (hg19) VCF-style: chr12-11992223-CG-C.
Other names: c.311del, p.Arg104fs (NM_001413913.1); c.287del, p.Arg96fs (NM_001413914.1); c.50del, p.Arg17fs (NM_001413915.1); c.314del, p.Arg105fs (NM_001413916.1, NM_001413917.1, NM_001413918.1); short protein forms R17fs, R105fs, R96fs, R104fs.
Identifiers: ClinVar variation 4251426 (VCV004251426.1).